The following is an entry in ClinVar:

NM_000135.4(FANCA):c.2519C>G (p.Ala840Gly)

Gene: FANCA (FA complementation group A; minus strand). Cytogenetic location: 16q24.3.
Variant type: single nucleotide variant.
Coding change: c.2519C>G on transcript NM_000135.4 (MANE Select); coding-DNA position 2519, C replaced by G.
Protein change: p.Ala840Gly; replaces alanine 840 with glycine.
Molecular consequence: missense variant.
Genome position (GRCh38, 1-based): chr16:89,767,223, G>C on the plus strand (C>G on the coding strand, the complement: FANCA is on the minus strand). VCF-style: chr16-89767223-G-C. GRCh37 (hg19) VCF-style: chr16-89833631-G-C.
Other names: c.2519C>G (LRG_495t1); c.2519C>G, p.Ala840Gly (NM_001286167.3); short protein forms A840G.
Identifiers: ClinVar variation 134255 (VCV000134255.11), dbSNP rs587778313, ClinGen allele CA159278.

ClinVar aggregate classification (germline): Uncertain significance. Review status: criteria provided, multiple submitters, no conflicts (2 of 4 stars). 5 submissions from 5 submitters: Uncertain significance (3). 2 of the submissions do not count toward it. Last evaluated 2025-06-23.

Conditions:
Fanconi anemia (FA). Also called: Fanconi's anemia. Identifiers: Orphanet 84, MedGen C0015625, MeSH D005199, MONDO:0019391.
Inborn genetic diseases. Identifiers: MedGen C0950123, MeSH D030342.
Fanconi anemia complementation group A (FANCA). Also called: Fanconi anemia, group A; FANCA-Related Fanconi Anemia. Identifiers: Orphanet 84, MedGen C3469521, MONDO:0009215, OMIM 227650.

Allele frequency attached by ClinVar (database versions not stated): gnomAD exomes below 0.00001; TOPMed below 0.00001.
gnomAD v4.1: 3 of 1,611,764 alleles (0.00019%); highest among the groups gnomAD compares: Admixed American, 0.0017%; no homozygotes.

Submissions (5):

Labcorp Genetics (formerly Invitae), Labcorp
Classification: Uncertain significance for Fanconi anemia. Last evaluated: 2025-06-23. Review status: criteria provided, single submitter. Criteria: Invitae Variant Classification Sherloc (09022015). Collection method: clinical testing. Allele origin: germline.
Comment: This sequence change replaces alanine, which is neutral and non-polar, with glycine, which is neutral and non-polar, at codon 840 of the FANCA protein (p.Ala840Gly). This variant is present in population databases (rs587778313, gnomAD 0.003%). This variant has not been reported in the literature in individuals affected with FANCA-related conditions. ClinVar contains an entry for this variant (Variation ID: 134255). Invitae Evidence Modeling of protein sequence and biophysical properties (such as structural, functional, and spatial information, amino acid conservation, physicochemical variation, residue mobility, and thermodynamic stability) has been performed for this missense variant. However, the output from this modeling did not meet the statistical confidence thresholds required to predict the impact of this variant on FANCA protein function. In summary, the available evidence is currently insufficient to determine the role of this variant in disease. Therefore, it has been classified as a Variant of Uncertain Significance.

Ambry Genetics
Classification: Uncertain significance for Inborn genetic diseases. Last evaluated: 2024-12-28. Review status: criteria provided, single submitter. Criteria: Ambry Variant Classification Scheme 2023. Collection method: clinical testing. Allele origin: germline.
Comment: The p.A840G variant (also known as c.2519C>G), located in coding exon 27 of the FANCA gene, results from a C to G substitution at nucleotide position 2519. The alanine at codon 840 is replaced by glycine, an amino acid with similar properties. This amino acid position is conserved. In addition, the in silico prediction for this alteration is inconclusive. Based on the available evidence, the clinical significance of this variant remains unclear.

Fulgent Genetics
Classification: Uncertain significance for Fanconi anemia complementation group A. Last evaluated: 2024-02-15. Review status: criteria provided, single submitter. Criteria: ACMG Guidelines, 2015. Collection method: clinical testing. Allele origin: germline.

Counsyl
Classification: Uncertain significance for Fanconi anemia complementation group A. Last evaluated: 2017-12-20. Review status: no assertion criteria provided. Collection method: clinical testing. Allele origin: unknown. Not counted in ClinVar's aggregate classification.

ITMI
No classification provided. Condition: AllHighlyPenetrant. Last evaluated: 2013-09-19. Review status: no classification provided. Collection method: reference population. Allele origin: germline. Not counted in ClinVar's aggregate classification.
Comment: Please see associated publication for description of ethnicities

Literature cited by the submitters: PubMed 24728327 (cited by Counsyl and ITMI).